The following is an entry in ClinVar:

NM_005632.3(CAPN15):c.573C>T (p.Ala191=)

Gene: CAPN15 (calpain 15; plus strand). Cytogenetic location: 16p13.3.
Variant type: single nucleotide variant.
Coding change: c.573C>T on transcript NM_005632.3 (MANE Select); coding-DNA position 573, C replaced by T.
Protein change: p.Ala191=; no amino-acid change (alanine 191 retained).
Molecular consequence: synonymous variant.
Genome position (GRCh38, 1-based): chr16:547,411, C>T. VCF-style: chr16-547411-C-T. GRCh37 (hg19) VCF-style: chr16-597411-C-T.
Identifiers: ClinVar variation 2645797 (VCV002645797.25), dbSNP rs371770669, ClinGen allele CA7778106.
Genomic context (GRCh38, chr16:547,411, plus strand): 5'-GCTCTCGCTGCCACGGATCCCTCCTGAGGCCCTGGTGGTCCCGGAAGTGGTGGCCCCGGC[C>T]GGCTTCCACGTCGTGCCTGCCGCGCCTCCACCTGGCCTCCCCGGGGAAGGTGCCGAGGCC-3'
Protein context (NP_005623.1, residues 181-201): ALVVPEVVAP[Ala191=]GFHVVPAAPP

ClinVar aggregate classification (germline): Likely benign. Review status: criteria provided, multiple submitters, no conflicts (2 of 4 stars). 2 submissions from 2 submitters: Likely benign (2). Last evaluated 2025-10-01.

Allele frequency attached by ClinVar (database versions not stated): 1000 Genomes Project 0.00040; 1000 Genomes Project 30x 0.00078; ESP Exome Variant Server 0.00114; gnomAD 0.00127; TOPMed 0.00147; gnomAD exomes 0.00259; ExAC 0.00438.
gnomAD v4.1: 3,825 of 1,570,196 alleles (0.24%); highest among the groups gnomAD compares: Non-Finnish European, 0.3%; 6 homozygotes.

Submissions (2):

CeGaT Center for Human Genetics Tuebingen
Classification: Likely benign. Last evaluated: 2025-10-01. Review status: criteria provided, single submitter. Criteria: CeGaT Center For Human Genetics Tuebingen Variant Classification Criteria Version 2. Collection method: clinical testing. Allele origin: germline. Affected: yes. Observed: 3 variant alleles.
Comment: CAPN15: BP4, BP7

Blueprint Genetics
Classification: Likely benign. Last evaluated: 2024-11-26. Review status: criteria provided, single submitter. Criteria: ACMG Guidelines, 2015. Collection method: clinical testing. Allele origin: germline.